The following is an entry in ClinVar:

ClinVar aggregate classification (germline): Uncertain significance (1 of 4 stars; one submission).

Conditions:
Multiple acyl-CoA dehydrogenase deficiency (MADD). Also called: Glutaric acidemia type II; GA 2; Glutaric Acidemia type 2; ETHYLMALONIC-ADIPICACIDURIA; GA II; Glutaric aciduria, type 2. Identifiers: Orphanet 26791, MedGen C0268596, MONDO:0009282, OMIM 231680.

Allele frequency attached by ClinVar (database versions not stated): gnomAD exomes below 0.00001; TOPMed 0.00001.
gnomAD v4.1: 3 of 1,602,892 alleles (0.00019%); highest among the groups gnomAD compares: Non-Finnish European, 0.00026%; no homozygotes.

Submission:

Labcorp Genetics (formerly Invitae), Labcorp
Classification: Uncertain significance for Multiple acyl-CoA dehydrogenase deficiency. Last evaluated: 2024-11-05. Review status: criteria provided, single submitter. Criteria: Invitae Variant Classification Sherloc (09022015). Collection method: clinical testing. Allele origin: germline.
Comment: This sequence change replaces lysine, which is basic and polar, with glutamine, which is neutral and polar, at codon 291 of the ETFA protein (p.Lys291Gln). This variant is not present in population databases (gnomAD no frequency). This variant has not been reported in the literature in individuals affected with ETFA-related conditions. ClinVar contains an entry for this variant (Variation ID: 577009). Invitae Evidence Modeling of protein sequence and biophysical properties (such as structural, functional, and spatial information, amino acid conservation, physicochemical variation, residue mobility, and thermodynamic stability) has been performed for this missense variant. However, the output from this modeling did not meet the statistical confidence thresholds required to predict the impact of this variant on ETFA protein function. In summary, the available evidence is currently insufficient to determine the role of this variant in disease. Therefore, it has been classified as a Variant of Uncertain Significance.

NM_000126.4(ETFA):c.871A>C (p.Lys291Gln)

Gene: ETFA (electron transfer flavoprotein subunit alpha; minus strand). Cytogenetic location: 15q24.2.
Variant type: single nucleotide variant.
Coding change: c.871A>C on transcript NM_000126.4 (MANE Select); coding-DNA position 871, A replaced by C.
Protein change: p.Lys291Gln; replaces lysine 291 with glutamine.
Molecular consequence: missense variant.
Genome position (GRCh38, 1-based): chr15:76,231,344, T>G on the plus strand (A>C on the coding strand, the complement: ETFA is on the minus strand). VCF-style: chr15-76231344-T-G. GRCh37 (hg19) VCF-style: chr15-76523685-T-G.
Other names: c.724A>C, p.Lys242Gln (NM_001127716.2); short protein forms K291Q, K242Q.
Identifiers: ClinVar variation 577009 (VCV000577009.6), dbSNP rs1184566559, ClinGen allele CA393515609.
Genomic context (GRCh38, chr15:76,231,344, plus strand): 5'-TCCTAAAATGTGGAAACGTTTTCTTTTAACATCACTGATGTACAATTACCTTGCTGTCTT[T>G]CATCCCAGCTAAATGTTGGATGGCTCCAGATATTCCAACAGCAATATAAAGTTCCTGAAA-3'
Protein context (NP_000117.1, residues 281-301): SGAIQHLAGM[Lys291Gln]DSKTIVAINK